The following is an entry in ClinVar:

ClinVar aggregate classification (germline): Likely benign (0 of 4 stars; one submission).

Conditions:
SLC46A1-related disorder. Also called: SLC46A1-related condition.

Allele frequency attached by ClinVar (database versions not stated): ExAC 0.00005.
gnomAD v4.1: 1 of 1,549,964 alleles (0.000065%); no homozygotes.

Submission:

PreventionGenetics, part of Exact Sciences
Classification: Likely benign for SLC46A1-related condition. Last evaluated: 2020-08-19. Review status: no assertion criteria provided. Collection method: clinical testing. Allele origin: germline.
Comment: This variant is classified as likely benign based on ACMG/AMP sequence variant interpretation guidelines (Richards et al. 2015 PMID: 25741868, with internal and published modifications).

NM_080669.6(SLC46A1):c.9G>T (p.Gly3=)

Genes: SLC46A1 (solute carrier family 46 member 1; minus strand), LOC130060550 (ATAC-STARR-seq lymphoblastoid silent region 8340; plus strand). Cytogenetic location: 17q11.2.
Variant type: single nucleotide variant.
Coding change: c.9G>T on transcript NM_080669.6 (MANE Select); coding-DNA position 9, G replaced by T.
Protein change: p.Gly3=; no amino-acid change (glycine 3 retained).
Molecular consequence: synonymous variant.
Genome position (GRCh38, 1-based): chr17:28,406,106, C>A on the plus strand (G>T on the coding strand, the complement: SLC46A1 is on the minus strand). VCF-style: chr17-28406106-C-A. GRCh37 (hg19) VCF-style: chr17-26733124-C-A.
Other names: c.9G>T, p.Gly3= (NM_001242366.3).
Identifiers: ClinVar variation 3033001 (VCV003033001.2), dbSNP rs782550981, ClinGen allele CA8458414.
Genomic context (GRCh38, chr17:28,406,106, plus strand): 5'-GCCCCGGCACAGCACGGCAGCCGCAGGGCGGGCGCGGGGCTTTTCCGGGGGGCTCGCGCT[C>A]CCCTCCATGTGCGTGCGCGGCGGAGCTGTCGCCAGGCGGGCGGCGGGGCGCGCGAGCGAC-3'
Protein context (NP_542400.2, residues 1-13): ME[Gly3=]SASPPEKPRA